The following is an entry in ClinVar:

NM_206933.4(USH2A):c.10001C>T (p.Thr3334Ile)

Gene: USH2A (usherin; minus strand). Cytogenetic location: 1q41.
Variant type: single nucleotide variant.
Coding change: c.10001C>T on transcript NM_206933.4 (MANE Select); coding-DNA position 10001, C replaced by T.
Protein change: p.Thr3334Ile; replaces threonine 3334 with isoleucine.
Molecular consequence: missense variant.
Genome position (GRCh38, 1-based): chr1:215,790,240, G>A on the plus strand (C>T on the coding strand, the complement: USH2A is on the minus strand). VCF-style: chr1-215790240-G-A. GRCh37 (hg19) VCF-style: chr1-215963582-G-A.
Other names: c.10001C>T (NM_206933.2); short protein forms T3334I.
Identifiers: ClinVar variation 1963296 (VCV001963296.6), dbSNP rs1299097473, ClinGen allele CA344844618.

ClinVar aggregate classification (germline): Uncertain significance. Review status: criteria provided, multiple submitters, no conflicts (2 of 4 stars). 2 submissions from 2 submitters: Uncertain significance (2). Last evaluated 2025-03-22.

Conditions:
Inborn genetic diseases. Identifiers: MedGen C0950123, MeSH D030342.

Allele frequency attached by ClinVar (database versions not stated): gnomAD exomes below 0.00001; gnomAD 0.00001.
gnomAD v4.1: 2 of 1,613,916 alleles (0.00012%); highest among the groups gnomAD compares: African/African-American, 0.0013%; no homozygotes.

Submissions (2):

Ambry Genetics
Classification: Uncertain significance for Inborn genetic diseases. Last evaluated: 2025-03-22. Review status: criteria provided, single submitter. Criteria: Ambry Variant Classification Scheme 2023. Collection method: clinical testing. Allele origin: germline.

Labcorp Genetics (formerly Invitae), Labcorp
Classification: Uncertain significance. Last evaluated: 2022-01-04. Review status: criteria provided, single submitter. Criteria: Invitae Variant Classification Sherloc (09022015). Collection method: clinical testing. Allele origin: germline.
Comment: This sequence change replaces threonine, which is neutral and polar, with isoleucine, which is neutral and non-polar, at codon 3334 of the USH2A protein (p.Thr3334Ile). This variant is present in population databases (no rsID available, gnomAD 0.0009%). In summary, the available evidence is currently insufficient to determine the role of this variant in disease. Therefore, it has been classified as a Variant of Uncertain Significance. Algorithms developed to predict the effect of missense changes on protein structure and function are either unavailable or do not agree on the potential impact of this missense change (SIFT: "Deleterious"; PolyPhen-2: "Benign"; Align-GVGD: "Class C65"). This variant has not been reported in the literature in individuals affected with USH2A-related conditions.